The following is an entry in ClinVar:

ClinVar aggregate classification (germline): Uncertain significance (1 of 4 stars; one submission).

Submission:

GeneDx
Classification: Uncertain significance. Last evaluated: 2024-12-21. Review status: criteria provided, single submitter. Criteria: GeneDx Variant Classification Process June 2021. Collection method: clinical testing. Allele origin: germline. Affected: yes.
Comment: Not observed at significant frequency in large population cohorts (gnomAD); In silico analysis supports that this missense variant has a deleterious effect on protein structure/function; Has not been previously published as pathogenic or benign to our knowledge; Although located in a calcium-binding EGF-like domain of the FBN1 gene, it does not affect a cysteine residue within this domain; cysteine substitutions in the calcium-binding EGF-like domains represent the majority of pathogenic missense changes associated with FBN1-related disorders (PMID: 12938084); This variant is associated with the following publications: (PMID: 12938084)

NM_000138.5(FBN1):c.7244A>G (p.Asn2415Ser)

Gene: FBN1 (fibrillin 1; minus strand). Cytogenetic location: 15q21.1.
Variant type: single nucleotide variant.
Coding change: c.7244A>G on transcript NM_000138.5 (MANE Select); coding-DNA position 7244, A replaced by G.
Protein change: p.Asn2415Ser; replaces asparagine 2415 with serine.
Molecular consequence: missense variant.
Genome position (GRCh38, 1-based): chr15:48,425,825, T>C on the plus strand (A>G on the coding strand, the complement: FBN1 is on the minus strand). VCF-style: chr15-48425825-T-C. GRCh37 (hg19) VCF-style: chr15-48718022-T-C.
Other names: c.7244A>G, p.Asn2415Ser (NM_001406716.1); short protein forms N2415S.
Identifiers: ClinVar variation 4055844 (VCV004055844.1).